The following is an entry in ClinVar:

NM_002465.4(MYBPC1):c.178+7G>A

Gene: MYBPC1 (myosin binding protein C1; plus strand). Cytogenetic location: 12q23.2.
Variant type: single nucleotide variant.
Coding change: c.178+7G>A on transcript NM_002465.4 (MANE Select); 7 bases into the intron after coding-DNA position 178, G replaced by A.
Molecular consequence: intron variant.
Genome position (GRCh38, 1-based): chr12:101,627,811, G>A. VCF-style: chr12-101627811-G-A. GRCh37 (hg19) VCF-style: chr12-102021589-G-A.
Other names: c.178+7G>A (NM_206819.4, NM_001404675.1); c.104-1623G>A (NM_001254718.3, NM_206820.4, NM_001254719.3 and 4 more transcripts); c.68-1623G>A (NM_001254720.3); c.64+901G>A (NM_001254723.3); c.26-1623G>A (NM_001254722.3, NM_001404680.1, NM_001404679.1 and 2 more transcripts).
Identifiers: ClinVar variation 306718 (VCV000306718.9), dbSNP rs376040468, ClinGen allele CA6744426.

ClinVar aggregate classification (germline): Benign. Review status: criteria provided, single submitter (1 of 4 stars). 2 submissions from 2 submitters: Benign (1). 1 of the submissions does not count toward it. Last evaluated 2018-01-13.

Conditions:
MYBPC1-related disorder. Also called: MYBPC1-related condition.
Arthrogryposis, distal, type 1B. Identifiers: Orphanet 1146, MedGen C3280526, MONDO:0013698, OMIM 614335.

Allele frequency attached by ClinVar (database versions not stated): gnomAD 0.00008; ExAC 0.00013; TOPMed 0.00015; ESP Exome Variant Server 0.00008; gnomAD exomes 0.00004 and 0.00014.

Submissions (2):

Illumina Laboratory Services, Illumina
Classification: Benign for Arthrogryposis, distal, type 1B. Last evaluated: 2018-01-13. Review status: criteria provided, single submitter. Criteria: ICSL Variant Classification Criteria 13 December 2019. Collection method: clinical testing. Allele origin: germline.
Comment: This variant was observed in the ICSL laboratory as part of a predisposition screen in an ostensibly healthy population. It had not been previously curated by ICSL or reported in the Human Gene Mutation Database (HGMD: prior to June 1st, 2018), and was therefore a candidate for classification through an automated scoring system. Utilizing variant allele frequency, disease prevalence and penetrance estimates, and inheritance mode, an automated score was calculated to assess if this variant is too frequent to cause the disease. Based on the score and internal cut-off values, a variant classified as benign is not then subjected to further curation. The score for this variant resulted in a classification of benign for this disease.

PreventionGenetics, part of Exact Sciences
Classification: Likely benign for MYBPC1-related condition. Last evaluated: 2019-08-08. Review status: no assertion criteria provided. Collection method: clinical testing. Allele origin: germline. Not counted in ClinVar's aggregate classification.
Comment: This variant is classified as likely benign based on ACMG/AMP sequence variant interpretation guidelines (Richards et al. 2015 PMID: 25741868, with internal and published modifications).